The following is an entry in ClinVar:

NM_000179.3(MSH6):c.3841G>C (p.Glu1281Gln)

Gene: MSH6 (mutS homolog 6; plus strand). Cytogenetic location: 2p16.3.
Variant type: single nucleotide variant.
Coding change: c.3841G>C on transcript NM_000179.3 (MANE Select); coding-DNA position 3841, G replaced by C.
Protein change: p.Glu1281Gln; replaces glutamic acid 1281 with glutamine.
Molecular consequence: missense variant.
Genome position (GRCh38, 1-based): chr2:47,806,491, G>C. VCF-style: chr2-47806491-G-C. GRCh37 (hg19) VCF-style: chr2-48033630-G-C.
Other names: c.3451G>C, p.Glu1151Gln (NM_001281492.2); c.2935G>C, p.Glu979Gln (NM_001281493.2, NM_001281494.2); short protein forms E1281Q, E979Q, E1151Q.
Identifiers: ClinVar variation 231365 (VCV000231365.30), dbSNP rs876659115, ClinGen allele CA10578163.
Genomic context (GRCh38, chr2:47,806,491, plus strand): 5'-CTAATATTTTTCTTTCTTAAGGCATGCATGGTAGAAAATGAATGTGAAGACCCCAGCCAG[G>C]AGACTATTACGTTCCTCTATAAATTCATTAAGGGAGCTTGTCCTAAAAGCTATGGCTTTA-3'
Protein context (NP_000170.1, residues 1271-1291): VENECEDPSQ[Glu1281Gln]TITFLYKFIK

ClinVar aggregate classification (germline): Conflicting classifications of pathogenicity. Review status: criteria provided, conflicting classifications (1 of 4 stars). 9 submissions from 9 submitters: Uncertain significance (7); Likely benign (1). 1 of the submissions does not count toward it. Last evaluated 2026-08-13.

Conditions:
Hereditary nonpolyposis colorectal neoplasms. Identifiers: MedGen C0009405, MeSH D003123.
Hereditary cancer-predisposing syndrome. Also called: Tumor predisposition; Neoplastic Syndromes, Hereditary; Hereditary Cancer Syndrome; Hereditary neoplastic syndrome. Identifiers: Orphanet 140162, MedGen C0027672, MeSH D009386, MONDO:0015356.
Lynch syndrome. Identifiers: Orphanet 144, MedGen C4552100, MONDO:0005835. Disease mechanism: loss of function.
Endometrial carcinoma. Also called: Endometrial carcinoma, somatic. Identifiers: MedGen C0476089, MONDO:0002447, OMIM 608089, HP:0012114.

Allele frequency attached by ClinVar (database versions not stated): gnomAD exomes below 0.00001 and 0.00001; TOPMed 0.00002; gnomAD 0.00001.
gnomAD v4.1: 11 of 1,613,898 alleles (0.00068%); highest among the groups gnomAD compares: Admixed American, 0.005%; no homozygotes.

Submissions (9):

Ambry Genetics
Classification: Uncertain significance for Hereditary cancer-predisposing syndrome. Last evaluated: 2026-08-13. Review status: criteria provided, single submitter. Criteria: Ambry Variant Classification Scheme 2023. Collection method: clinical testing. Allele origin: germline.

Labcorp Genetics (formerly Invitae), Labcorp
Classification: Likely benign for Hereditary nonpolyposis colorectal neoplasms. Last evaluated: 2025-12-13. Review status: criteria provided, single submitter. Criteria: Invitae Variant Classification Sherloc (09022015). Collection method: clinical testing. Allele origin: germline.

Molecular Diagnostics Laboratory, Catalan Institute of Oncology
Classification: Uncertain significance for Hereditary cancer-predisposing syndrome. Last evaluated: 2025-05-28. Review status: criteria provided, single submitter. Criteria: ClinGen CRC ACMG Specifications MSH6 V1.0.0. Collection method: clinical testing. Allele origin: germline.
Comment: PM2_Supporting, BP5 c.3841G>C, located in exon 9 of the MSH6 gene, is predicted to result in the substitution of Glu by Gln at codon 1281, p.(Glu1281Gln). This variant is extremely rare (0.0006%) in GnomAD v4.1.0 database (PM2_Supporting). Computational tools for this variant suggests no significant impact on splicing (SpliceAI) but the effect of the variant on protein function is indeterminate (MAPP+PolyPhen-2 prior probability for pathogenicity: 0.34). To our knowledge, neither individuals with Lynch syndrome-related conditions nor functional studies have been reported in the literature for this variant. It has been identified in 2 colorectal/endometrial patients whose tumors showed maintained MSH6 expression (internal data) (BP5). In addition, this variant has been reported in ClinVar (1x likely benign, 6x uncertain significance) and LOVD (1x NA) databases but not in the InSiGHT database. Based on currently available information, the variant c.3841G>C is classified as an uncertain significance variant according to ClinGen_Insight_ACMG_Specifications_MSH6_v1.0.0.

Color Diagnostics, LLC DBA Color Health
Classification: Uncertain significance for Hereditary cancer-predisposing syndrome. Last evaluated: 2025-03-04. Review status: criteria provided, single submitter. Criteria: ACMG Guidelines, 2015. Collection method: clinical testing. Allele origin: germline.
Comment: This missense variant replaces glutamic acid with glutamine at codon 1281 of the MSH6 protein. Computational prediction is inconclusive regarding the impact of this variant on protein structure and function. To our knowledge, functional studies have not been reported for this variant. This variant has not been reported in individuals affected with hereditary cancer in the literature. This variant has been identified in 1/250892 chromosomes in the general population by the Genome Aggregation Database (gnomAD). The available evidence is insufficient to determine the role of this variant in disease conclusively. Therefore, this variant is classified as a Variant of Uncertain Significance.

GeneDx
Classification: Uncertain significance. Last evaluated: 2023-09-05. Review status: criteria provided, single submitter. Criteria: GeneDx Variant Classification Process June 2021. Collection method: clinical testing. Allele origin: germline. Affected: yes.
Comment: Not observed at significant frequency in large population cohorts (gnomAD); In silico analysis supports that this missense variant does not alter protein structure/function; Observed in an unaffected individual with a family history of breast and/or ovarian cancer (Lerner-Ellis et al., 2021); This variant is associated with the following publications: (PMID: 17531815, 21120944, 32885271)

All of Us Research Program, National Institutes of Health
Classification: Uncertain significance for Lynch syndrome. Last evaluated: 2023-08-15. Review status: criteria provided, single submitter. Criteria: ACMG Guidelines, 2015. Collection method: clinical testing. Allele origin: germline. Inheritance: Autosomal dominant inheritance. Observed: 1 variant allele, 1 heterozygote.
Comment: This missense variant replaces glutamic acid with glutamine at codon 1281 of the MSH6 protein. Computational prediction is inconclusive regarding the impact of this variant on protein structure and function (internally defined REVEL score threshold 0.5 < inconclusive < 0.7, PMID: 27666373). To our knowledge, functional studies have not been reported for this variant. This variant has not been reported in individuals affected with hereditary cancer in the literature. This variant has been identified in 1/250892 chromosomes in the general population by the Genome Aggregation Database (gnomAD). The available evidence is insufficient to determine the role of this variant in disease conclusively. Therefore, this variant is classified as a Variant of Uncertain Significance.

This study involves interpretation of variants in research participants for the purpose of population health screening. Participant phenotype was not available at the time of variant classification. Additional details can be found in publication PMID: 35346344, PMCID: PMC8962531

Baylor Genetics
Classification: Uncertain significance for Endometrial carcinoma. Last evaluated: 2023-08-07. Review status: criteria provided, single submitter. Criteria: ACMG Guidelines, 2015. Collection method: clinical testing. Allele origin: unknown.

Mendelics
Classification: Uncertain significance for Lynch syndrome. Last evaluated: 2018-07-02. Review status: criteria provided, single submitter. Criteria: Mendelics Assertion Criteria 2017. Collection method: clinical testing. Allele origin: unknown.

Department of Pathology and Laboratory Medicine, Sinai Health System
Classification: Uncertain significance. Review status: no assertion criteria provided. Collection method: clinical testing. Allele origin: unknown. Affected: yes. Observed: 1 variant allele. Study: The Canadian Open Genetics Repository (COGR). Not counted in ClinVar's aggregate classification.
Comment: The MSH6 p.Glu1281Gln variant was not identified in the literature nor was it identified in the COGR, COSMIC, MutDB, UMD-LSDB, Insight Colon Cancer Gene Variant Database, Zhejiang Colon Cancer Database, Mismatch Repair Genes Variant Database, or Insight Hereditary Tumors databases. The variant was identified in dbSNP (ID: rs876659115) as â€šÃ„ÃºWith Uncertain significance alleleâ€šÃ„Ã¹, and in the ClinVar and Clinvitae databases (classified as uncertain significance by Ambry Genetics and Color Genomics). The variant was identified in control databases in 1 of 245856 chromosomes at a frequency of 0.000004 (Genome Aggregation Database Feb 27, 2017). It was observed in the Latino population in 1 of 33540 chromosomes (freq: 0.00003), but not in the African, Other, European Non-Finnish, Ashkenazi Jewish, East Asian, Finnish, and South Asian populations. The p.Glu1281 residue is conserved across mammals and other organisms, and four out of five computational analyses (PolyPhen-2, SIFT, AlignGVGD, BLOSUM, MutationTaster) suggest that the variant may impact the protein; however, this information is not predictive enough to assume pathogenicity. The variant occurs outside of the splicing consensus sequence and 1 of 5 in silico or computational prediction software programs (SpliceSiteFinder, MaxEntScan, NNSPLICE, GeneSplicer, HumanSpliceFinder) predict a greater than 10% difference in splicing; this is not very predictive of pathogenicity. In summary, based on the above information the clinical significance of this variant cannot be determined with certainty at this time. This variant is classified as a variant of uncertain significance.